The following is an entry in ClinVar:

NM_007373.4(SHOC2):c.340A>T (p.Ile114Leu)

Gene: SHOC2 (SHOC2 leucine rich repeat scaffold protein; plus strand). Cytogenetic location: 10q25.2.
Variant type: single nucleotide variant.
Coding change: c.340A>T on transcript NM_007373.4 (MANE Select); coding-DNA position 340, A replaced by T.
Protein change: p.Ile114Leu; replaces isoleucine 114 with leucine.
Molecular consequence: missense variant.
Genome position (GRCh38, 1-based): chr10:110,964,698, A>T. VCF-style: chr10-110964698-A-T. GRCh37 (hg19) VCF-style: chr10-112724456-A-T.
Other names: c.340A>T, p.Ile114Leu (NM_001269039.3, NM_001324336.2, NM_001324337.2); short protein forms I114L.
Identifiers: ClinVar variation 3646576 (VCV003646576.3).

ClinVar aggregate classification (germline): Uncertain significance. Review status: criteria provided, multiple submitters, no conflicts (2 of 4 stars). 2 submissions from 2 submitters: Uncertain significance (2). Last evaluated 2024-03-18.

Conditions:
RASopathy. Also called: Noonan spectrum disorder; rasopathies. Identifiers: Orphanet 536391, MedGen C5555857, MONDO:0021060.

gnomAD v4.1: 12 of 1,614,058 alleles (0.00074%); no homozygotes.

Submissions (2):

Labcorp Genetics (formerly Invitae), Labcorp
Classification: Uncertain significance for RASopathy. Last evaluated: 2024-03-18. Review status: criteria provided, single submitter. Criteria: Invitae Variant Classification Sherloc (09022015). Collection method: clinical testing. Allele origin: germline.
Comment: This sequence change replaces isoleucine, which is neutral and non-polar, with leucine, which is neutral and non-polar, at codon 114 of the SHOC2 protein (p.Ile114Leu). The frequency data for this variant in the population databases is considered unreliable, as metrics indicate poor data quality at this position in the gnomAD database. This variant has not been reported in the literature in individuals affected with SHOC2-related conditions. Advanced modeling of protein sequence and biophysical properties (such as structural, functional, and spatial information, amino acid conservation, physicochemical variation, residue mobility, and thermodynamic stability) performed at Invitae indicates that this missense variant is not expected to disrupt SHOC2 protein function with a negative predictive value of 80%. In summary, the available evidence is currently insufficient to determine the role of this variant in disease. Therefore, it has been classified as a Variant of Uncertain Significance.

Blueprint Genetics
Classification: Uncertain significance. Last evaluated: 2022-11-29. Review status: criteria provided, single submitter. Criteria: ACMG Guidelines, 2015. Collection method: clinical testing. Allele origin: germline.